The following is an entry in ClinVar:

ClinVar aggregate classification (germline): Uncertain significance (1 of 4 stars; one submission).

Submission:

Labcorp Genetics (formerly Invitae), Labcorp
Classification: Uncertain significance. Last evaluated: 2022-02-03. Review status: criteria provided, single submitter. Criteria: Invitae Variant Classification Sherloc (09022015). Collection method: clinical testing. Allele origin: germline.
Comment: This variant has not been reported in the literature in individuals affected with POLE-related conditions. In summary, the available evidence is currently insufficient to determine the role of this variant in disease. Therefore, it has been classified as a Variant of Uncertain Significance. Algorithms developed to predict the effect of missense changes on protein structure and function are either unavailable or do not agree on the potential impact of this missense change (SIFT: "Deleterious"; PolyPhen-2: "Probably Damaging"; Align-GVGD: "Class C15"). This variant is not present in population databases (gnomAD no frequency). This sequence change replaces isoleucine, which is neutral and non-polar, with phenylalanine, which is neutral and non-polar, at codon 1033 of the POLE protein (p.Ile1033Phe).

NM_006231.4(POLE):c.3097A>T (p.Ile1033Phe)

Gene: POLE (DNA polymerase epsilon, catalytic subunit; minus strand). Cytogenetic location: 12q24.33.
Variant type: single nucleotide variant.
Coding change: c.3097A>T on transcript NM_006231.4 (MANE Select); coding-DNA position 3097, A replaced by T.
Protein change: p.Ile1033Phe; replaces isoleucine 1033 with phenylalanine.
Molecular consequence: missense variant.
Genome position (GRCh38, 1-based): chr12:132,659,473, T>A on the plus strand (A>T on the coding strand, the complement: POLE is on the minus strand). VCF-style: chr12-132659473-T-A. GRCh37 (hg19) VCF-style: chr12-133236059-T-A.
Other names: short protein forms I1033F.
Identifiers: ClinVar variation 2092329 (VCV002092329.4), dbSNP rs1049416837, ClinGen allele CA387391724.